The following is an entry in ClinVar:

NM_000179.3(MSH6):c.457+2T>A

Gene: MSH6 (mutS homolog 6; plus strand). Cytogenetic location: 2p16.3.
Variant type: single nucleotide variant.
Coding change: c.457+2T>A on transcript NM_000179.3 (MANE Select); the canonical splice donor site of the intron after coding-DNA position 457, T replaced by A.
Molecular consequence: splice donor variant. On other transcripts: synonymous variant (1), intron variant (6).
Genome position (GRCh38, 1-based): chr2:47,791,125, T>A. VCF-style: chr2-47791125-T-A. GRCh37 (hg19) VCF-style: chr2-48018264-T-A.
Other names: c.459T>A, p.Gly153= (NM_001406813.1); c.457+2T>A (NM_001406809.1, NM_001406796.1, NM_001406808.1 and 5 more transcripts); c.-280+2T>A (NM_001406811.1, NM_001281493.2, NM_001406829.1 and 1 more transcripts); c.160+2T>A (NM_001406805.1, NM_001406797.1, NM_001406801.1 and 10 more transcripts); c.553+2T>A (NM_001406795.1, NM_001406802.1); c.-472+2T>A (NM_001406807.1); c.-538+2T>A (NM_001406814.1); c.-280+155T>A (NM_001406812.1); and 6 more.
Identifiers: ClinVar variation 89524 (VCV000089524.2), dbSNP rs267608036, ClinGen allele CA015582.
Genomic context (GRCh38, chr2:47,791,125, plus strand): 5'-TTTTGATGACAGCCCAACAAGGGGCTGGGTTAGCAAAAGGCTTTTAAAGCCATATACAGG[T>A]AAGAGTCACTACTGCCATGTGTGTGTGTTTGTGTGTGTGTGTGTGTGTGTGAGAGAAACA-3'

ClinVar aggregate classification (germline): Pathogenic (3 of 4 stars; one submission).

Conditions:
Lynch syndrome. Identifiers: Orphanet 144, MedGen C4552100, MONDO:0005835. Disease mechanism: loss of function.

Submission:

International Society for Gastrointestinal Hereditary Tumours (InSiGHT)
Classification: Pathogenic for Lynch Syndrome. Last evaluated: 2013-09-05. Review status: reviewed by expert panel. Criteria: Guidelines v1.9. Collection method: research. Allele origin: germline.
Comment: Multifactorial likelihood analysis posterior probability >0.99

Classified with v1.9 guidelines